The following is an entry in ClinVar:

ClinVar aggregate classification (germline): Pathogenic/Likely pathogenic. Review status: criteria provided, multiple submitters, no conflicts (2 of 4 stars). 9 submissions from 9 submitters: Pathogenic (7); Likely pathogenic (1). 1 of the submissions does not count toward it. Last evaluated 2026-05-02.

Conditions:
TP63-related disorder. Also called: TP63-Related Disorders; TP63-related condition. Identifiers: MedGen CN380159.
TP63-Related Spectrum Disorders.
Ectrodactyly, ectodermal dysplasia, and cleft lip-palate syndrome 3. Also called: Ectrodactyly, Ectodermal Dysplasia, Clefting Syndrome Type 3 (EEC3); Ectrodactyly, Ectodermal Dysplasia, Clefting Syndrome; Ectrodactyly, Ectodermal Dysplasia, Cleft Lip/Palate Syndrome 3 (EEC3); EEC SYNDROME 3. Identifiers: Orphanet 1896, MedGen C1858562, MONDO:0011428, OMIM 604292.
Split hand-foot malformation 4. Also called: Split-Hand/Foot Malformation Type 4 (SHFM4 syndrome); Split-Hand/Foot Malformation Type 4 (SHFM4). Identifiers: Orphanet 2440, MedGen C1854442, MONDO:0011535, OMIM 605289.

Submissions (9):

Kasturba Medical College, Manipal, Kasturba Medical College, Manipal, Manipal Academy of Higher Education, Manipal, India
Classification: Likely pathogenic for Ectrodactyly, ectodermal dysplasia, and cleft lip-palate syndrome 3. Last evaluated: 2026-05-02. Review status: criteria provided, single submitter. Criteria: ACMG Guidelines, 2015. Collection method: research. Allele origin: unknown. Inheritance: Autosomal dominant inheritance. Affected: yes. Observed: 1 variant allele, 1 heterozygote.
Comment: This variant is absent in heterozygous and/or homozygous state in our in-house database of 4210 exomes and gnomAD (v4.1.0) population database. In-silico analysis tools (CADD_phred and REVEL) are consistent in predicting the variant to be damaging to the TP63 protein structure and function. A different amino acid change at the same position, p.(Arg225His) has been previously reported in an affected individual with TP63-related disorder (Zhuang et al., 2025).

Labcorp Genetics (formerly Invitae), Labcorp
Classification: Pathogenic. Last evaluated: 2023-04-14. Review status: criteria provided, single submitter. Criteria: Invitae Variant Classification Sherloc (09022015). Collection method: clinical testing. Allele origin: germline.
Comment: For these reasons, this variant has been classified as Pathogenic. Experimental studies have shown that this missense change affects TP63 function (PMID: 18626511). Advanced modeling of protein sequence and biophysical properties (such as structural, functional, and spatial information, amino acid conservation, physicochemical variation, residue mobility, and thermodynamic stability) performed at Invitae indicates that this missense variant is expected to disrupt TP63 protein function. ClinVar contains an entry for this variant (Variation ID: 6532). This variant is also known as 982T->C, R280C. This missense change has been observed in individual(s) with clinical features of ectrodactyly, ectodermal dysplasia, cleft lip/palate syndrome (PMID: 10839977, 12161593, 21211247, 31050217). It has also been observed to segregate with disease in related individuals. This variant is not present in population databases (gnomAD no frequency). This sequence change replaces arginine, which is basic and polar, with cysteine, which is neutral and slightly polar, at codon 319 of the TP63 protein (p.Arg319Cys).

GeneDx
Classification: Pathogenic. Last evaluated: 2022-07-05. Review status: criteria provided, single submitter. Criteria: GeneDx Variant Classification Process June 2021. Collection method: clinical testing. Allele origin: germline. Affected: yes.
Comment: Identified in multiple individuals with TP63-related disorders referred for genetic testing at GeneDx and in published literature (Ianakiev et al., 2000; Yang et al., 2017); Published functional studies demonstrate interference with TP63 protein function and inhibition of the wild-type protein in a dominant-negative manner (Khokhar et al., 2008; Serra et al., 2011); Not observed at significant frequency in large population cohorts (gnomAD); In silico analysis supports that this missense variant has a deleterious effect on protein structure/function; This variant is associated with the following publications: (PMID: 22574117, 24460914, 12161593, 22069181, 29620206, 21211247, 15324320, 31050217, 28420484, 18626511, 10839977, 17224651, 21652629)

Revvity Omics, Revvity
Classification: Pathogenic. Last evaluated: 2021-12-15. Review status: criteria provided, single submitter. Criteria: ACMG Guidelines, 2015. Collection method: clinical testing. Allele origin: germline.

Greenwood Genetic Center Diagnostic Laboratories, Greenwood Genetic Center
Classification: Pathogenic. Last evaluated: 2020-09-28. Review status: criteria provided, single submitter. Criteria: ACMG Guidelines, 2015. Collection method: clinical testing. Allele origin: germline. Affected: yes.

Blueprint Genetics
Classification: Pathogenic for TP63-related disorders. Last evaluated: 2019-11-14. Review status: criteria provided, single submitter. Criteria: ACMG Guidelines, 2015. Collection method: clinical testing. Allele origin: germline. Affected: yes. Observed: 2 variant alleles.

Clinical Genetics Service, Universitary Hospital 12 de Octubre
Classification: Pathogenic for Ectrodactyly, ectodermal dysplasia, and cleft lip-palate syndrome 3. Review status: criteria provided, single submitter. Criteria: ACMG Guidelines, 2015. Collection method: clinical testing. Allele origin: paternal. Affected: yes.

Lifecell International Pvt. Ltd
Classification: Pathogenic for Ectrodactyly, ectodermal dysplasia, and cleft lip-palate syndrome 3. Review status: criteria provided, single submitter. Criteria: ACMG Guidelines, 2015. Collection method: clinical testing. Allele origin: germline. Inheritance: Autosomal dominant inheritance. Affected: yes. Observed: 1 heterozygote.
Comment: A Heterozygous Missense variant c.955C>T in Exon 7 of the TP63 gene that results in the amino acid substitution p.Arg319Cys was identified. The observed variant is novel in gnomAD exomes and genomes, respectively. The severity of the impact of this variant on the protein is medium, based on the effect of the protein and REVEL score . Rare Exome Variant Ensemble Learner (REVEL) is an ensembl method for predicting the pathogenicity of missense variants based on a combination of scores from 13 individual tools: MutPred, FATHMM v2.3, VEST 3.0, PolyPhen-2, SIFT, PROVEAN, MutationAssessor, MutationTaster, LRT, GERP++, SiPhy, phyloP, and phastCons. The REVEL score for an individual missense variant can range from 0 to 1, with higher scores reflecting greater likelihood that the variant is disease-causing. . ClinVar has also classified this variant as Pathogenic (Variant ID: 6532). The observed variant previously been reported in the patient affected with ectrodactyly (Ianakiev P et. al 2000). Based on the above evidence this variant has been classified as Pathogenic according to the ACMG guidelines.

OMIM
Classification: Pathogenic for SPLIT-HAND/FOOT MALFORMATION 4. Last evaluated: 2000-07-01. Review status: no assertion criteria provided. Collection method: literature only. Allele origin: germline. Not counted in ClinVar's aggregate classification.

Literature cited by the submitters: PubMed 31050217 (cited by Kasturba Medical College, Manipal, Kasturba Medical College, Manipal, Manipal Academy of Higher Education, Manipal, India and Labcorp Genetics (formerly Invitae), Labcorp); PubMed 39910461 (cited by Kasturba Medical College, Manipal, Kasturba Medical College, Manipal, Manipal Academy of Higher Education, Manipal, India); PubMed 18626511 (cited by Labcorp Genetics (formerly Invitae), Labcorp); PubMed 10839977 (cited by 3 submitters); PubMed 12161593 (cited by Labcorp Genetics (formerly Invitae), Labcorp); PubMed 21211247 (cited by Labcorp Genetics (formerly Invitae), Labcorp).

NM_003722.5(TP63):c.955C>T (p.Arg319Cys)

Gene: TP63 (tumor protein p63; plus strand). Cytogenetic location: 3q28.
Variant type: single nucleotide variant.
Coding change: c.955C>T on transcript NM_003722.5 (MANE Select); coding-DNA position 955, C replaced by T.
Protein change: p.Arg319Cys; replaces arginine 319 with cysteine.
Molecular consequence: missense variant.
Genome position (GRCh38, 1-based): chr3:189,867,905, C>T. VCF-style: chr3-189867905-C-T. GRCh37 (hg19) VCF-style: chr3-189585694-C-T.
Other names: R280C; c.955C>T, p.Arg319Cys (NM_001114978.2, NM_001114979.2, NM_001329144.2 and 1 more transcripts); c.673C>T, p.Arg225Cys (NM_001114980.2, NM_001114981.2, NM_001114982.2 and 2 more transcripts); c.418C>T, p.Arg140Cys (NM_001329146.2, NM_001329150.2); c.949C>T, p.Arg317Cys (NM_001329964.2); short protein forms R319C, R140C, R317C, R225C.
Identifiers: ClinVar variation 6532 (VCV000006532.17), dbSNP rs121908839, ClinGen allele CA118338.